The following is an entry in ClinVar:

NM_001035.3(RYR2):c.625C>G (p.Gln209Glu)

Gene: RYR2 (ryanodine receptor 2; plus strand). Cytogenetic location: 1q43.
Variant type: single nucleotide variant.
Coding change: c.625C>G on transcript NM_001035.3 (MANE Select); coding-DNA position 625, C replaced by G.
Protein change: p.Gln209Glu; replaces glutamine 209 with glutamic acid.
Molecular consequence: missense variant.
Genome position (GRCh38, 1-based): chr1:237,387,329, C>G. VCF-style: chr1-237387329-C-G. GRCh37 (hg19) VCF-style: chr1-237550629-C-G.
Other names: c.625C>G, p.Gln209Glu (LRG_402t1); short protein forms Q209E.
Identifiers: ClinVar variation 296704 (VCV000296704.11), dbSNP rs749414350, ClinGen allele CA087083.

ClinVar aggregate classification (germline): Uncertain significance. Review status: criteria provided, multiple submitters, no conflicts (2 of 4 stars). 7 submissions from 6 submitters: Uncertain significance (7). Last evaluated 2025-07-25.

Conditions:
Cardiovascular phenotype. Identifiers: MedGen CN230736.
Arrhythmogenic right ventricular dysplasia 2. Identifiers: MedGen C1832931.
Catecholaminergic polymorphic ventricular tachycardia 1. Also called: VENTRICULAR TACHYCARDIA, CATECHOLAMINERGIC POLYMORPHIC, 1, WITH OR WITHOUT ATRIAL DYSFUNCTION AND/OR DILATED CARDIOMYOPATHY; VENTRICULAR TACHYCARDIA, STRESS-INDUCED POLYMORPHIC 1; RYR2-Related Catecholaminergic Polymorphic Ventricular Tachycardia. Identifiers: Orphanet 3286, MedGen C1631597, MONDO:0011484, OMIM 604772.
Ventricular arrhythmias due to cardiac ryanodine receptor calcium release deficiency syndrome. Also called: Autosomal dominant cardiac arrhythmia (Kuhn). Identifiers: MedGen C5542154, MONDO:0020745, OMIM 115000.
Catecholaminergic polymorphic ventricular tachycardia (CVPT). Also called: Catecholamine-induced polymorphic ventricular tachycardia. Identifiers: Orphanet 3286, MedGen C5574922, MONDO:0017990.
Cardiomyopathy (CMYO). Also called: Cardiomyopathies. Identifiers: Orphanet 167848, MedGen C0878544, MONDO:0004994, HP:0001638. Inheritance: Various modes of inheritance.

Allele frequency attached by ClinVar (database versions not stated): gnomAD 0.00001; gnomAD exomes 0.00001 and 0.00002; TOPMed below 0.00001; ExAC 0.00001.
gnomAD v4.1: 18 of 1,613,934 alleles (0.0011%); highest among the groups gnomAD compares: Non-Finnish European, 0.0014%; no homozygotes.

Submissions (7):

Color Diagnostics, LLC DBA Color Health
Classification: Uncertain significance for Cardiomyopathy. Last evaluated: 2025-07-25. Review status: criteria provided, single submitter. Criteria: ACMG Guidelines, 2015. Collection method: clinical testing. Allele origin: germline.
Comment: This missense variant replaces glutamine with glutamic acid at codon 209 of the RYR2 protein. Computational prediction is inconclusive regarding the impact of this variant on protein structure and function. To our knowledge, functional studies have not been reported for this variant. This variant has not been reported in individuals affected with RYR2-related disorders in the literature. This variant has been identified in 4/249184 chromosomes in the general population by the Genome Aggregation Database (gnomAD). The available evidence is insufficient to determine the role of this variant in disease conclusively. Therefore, this variant is classified as a Variant of Uncertain Significance.

Labcorp Genetics (formerly Invitae), Labcorp
Classification: Uncertain significance for Catecholaminergic polymorphic ventricular tachycardia 1. Last evaluated: 2024-02-13. Review status: criteria provided, single submitter. Criteria: Invitae Variant Classification Sherloc (09022015). Collection method: clinical testing. Allele origin: germline.
Comment: This sequence change replaces glutamine, which is neutral and polar, with glutamic acid, which is acidic and polar, at codon 209 of the RYR2 protein (p.Gln209Glu). This variant is present in population databases (rs749414350, gnomAD 0.004%). This variant has not been reported in the literature in individuals affected with RYR2-related conditions. ClinVar contains an entry for this variant (Variation ID: 296704). Advanced modeling of protein sequence and biophysical properties (such as structural, functional, and spatial information, amino acid conservation, physicochemical variation, residue mobility, and thermodynamic stability) has been performed at Invitae for this missense variant, however the output from this modeling did not meet the statistical confidence thresholds required to predict the impact of this variant on RYR2 protein function. In summary, the available evidence is currently insufficient to determine the role of this variant in disease. Therefore, it has been classified as a Variant of Uncertain Significance.

All of Us Research Program, National Institutes of Health
Classification: Uncertain significance for Catecholaminergic polymorphic ventricular tachycardia. Last evaluated: 2024-01-11. Review status: criteria provided, single submitter. Criteria: ACMG Guidelines, 2015. Collection method: clinical testing. Allele origin: germline. Inheritance: Autosomal dominant inheritance. Observed: 1 variant allele, 1 heterozygote.
Comment: This study involves interpretation of variants in research participants for the purpose of population health screening. Participant phenotype was not available at the time of variant classification. Additional details can be found in publication PMID: 35346344, PMCID: PMC8962531

Fulgent Genetics
Classification: Uncertain significance for Ventricular arrhythmias due to cardiac ryanodine receptor calcium release deficiency syndrome; Catecholaminergic polymorphic ventricular tachycardia 1. Last evaluated: 2021-08-04. Review status: criteria provided, single submitter. Criteria: ACMG Guidelines, 2015. Collection method: clinical testing. Allele origin: unknown.

Ambry Genetics
Classification: Uncertain significance for Cardiovascular phenotype. Last evaluated: 2021-03-05. Review status: criteria provided, single submitter. Criteria: Ambry Variant Classification Scheme 2023. Collection method: clinical testing. Allele origin: germline.
Comment: The p.Q209E variant (also known as c.625C>G), located in coding exon 9 of the RYR2 gene, results from a C to G substitution at nucleotide position 625. The glutamine at codon 209 is replaced by glutamic acid, an amino acid with highly similar properties. This amino acid position is highly conserved in available vertebrate species. In addition, the in silico prediction for this alteration is inconclusive. Since supporting evidence is limited at this time, the clinical significance of this alteration remains unclear.

Illumina Laboratory Services, Illumina
Classification: Uncertain significance for Catecholaminergic polymorphic ventricular tachycardia 1. Last evaluated: 2018-01-13. Review status: criteria provided, single submitter. Criteria: ICSL Variant Classification Criteria 13 December 2019. Collection method: clinical testing. Allele origin: germline.

Illumina Laboratory Services, Illumina
Classification: Uncertain significance for Catecholaminergic polymorphic ventricular tachycardia 1. Last evaluated: 2018-01-13. Review status: criteria provided, single submitter. Criteria: ICSL Variant Classification Criteria 13 December 2019. Collection method: clinical testing. Allele origin: germline.